The following is an entry in ClinVar:

ClinVar aggregate classification (germline): Pathogenic (1 of 4 stars; one submission).

Conditions:
Developmental and epileptic encephalopathy, 27 (DEE27). Also called: Epileptic encephalopathy, early infantile, 27; GRIN2B-Related Neurodevelopmental Disorder. Identifiers: Orphanet 3451, MedGen C4015316, MONDO:0014505, OMIM 616139.
Intellectual developmental disorder, autosomal dominant 6, with or without seizures. Also called: Intellectual disability, autosomal dominant 6; GRIN2B-related developmental delay, intellectual disability and autism spectrum disorder. Identifiers: Orphanet 589547, MedGen C3151411, MONDO:0013509, OMIM 613970.

Submission:

Labcorp Genetics (formerly Invitae), Labcorp
Classification: Pathogenic for Developmental and epileptic encephalopathy, 27; Intellectual developmental disorder, autosomal dominant 6, with or without seizures. Last evaluated: 2024-09-13. Review status: criteria provided, single submitter. Criteria: Invitae Variant Classification Sherloc (09022015). Collection method: clinical testing. Allele origin: germline.
Comment: This sequence change creates a premature translational stop signal (p.Lys1186Asnfs*16) in the GRIN2B gene. While this is not anticipated to result in nonsense mediated decay, it is expected to disrupt the last 299 amino acid(s) of the GRIN2B protein. This variant is not present in population databases (gnomAD no frequency). This variant has not been reported in the literature in individuals affected with GRIN2B-related conditions. This variant disrupts a region of the GRIN2B protein in which other variant(s) (p.Tyr1304*) have been determined to be pathogenic (PMID: 37927744). This suggests that this is a clinically significant region of the protein, and that variants that disrupt it are likely to be disease-causing. For these reasons, this variant has been classified as Pathogenic.

Literature cited by the submitters: PubMed 37927744.

NM_000834.5(GRIN2B):c.3558del (p.Lys1186fs)

Gene: GRIN2B (glutamate ionotropic receptor NMDA type subunit 2B; minus strand). Cytogenetic location: 12p13.1.
Variant type: Deletion.
Coding change: c.3558del on transcript NM_000834.5 (MANE Select); coding-DNA position 3558, one base deleted (A; older notation c.3558delA).
Protein change: p.Lys1186fs; shifts the reading frame from lysine 1186.
Molecular consequence: frameshift variant.
Genome position (GRCh38, 1-based): chr12:13,563,680, T deleted on the plus strand (A on the coding strand, the reverse complement: GRIN2B is on the minus strand); the first of 3 consecutive T bases (chr12:13,563,680-13,563,682); deleting any one gives the same sequence. VCF-style (leftmost placement, unchanged base first): chr12-13563679-GT-G. GRCh37 (hg19) VCF-style: chr12-13716613-GT-G.
Other names: c.3558del, p.Lys1186fs (NM_001413992.1); short protein forms K1186fs.
Identifiers: ClinVar variation 3757971 (VCV003757971.2).
Genomic context (GRCh38, chr12:13,563,679, plus strand): 5'-CCCACTCCACGTTGGTCAGGTTCTTCTCCCAAGGTGCAGGTACCCCGCTGACCACGCCGT[GT>G]TTGTCGCCCGTCCCGTGCTTGATGTGAGACCTGTTGGTACAGGGCCCTCCTCCGCTGACG-3'